The following is an entry in ClinVar:

ClinVar aggregate classification (germline): Likely benign (1 of 4 stars; one submission).

Allele frequency attached by ClinVar (database versions not stated): gnomAD exomes below 0.00001.
gnomAD v4.1: 3 of 1,612,432 alleles (0.00019%); highest among the groups gnomAD compares: Non-Finnish European, 0.00025%; no homozygotes.

Submission:

GeneDx
Classification: Likely benign. Last evaluated: 2018-04-16. Review status: criteria provided, single submitter. Criteria: GeneDx Variant Classification (06012015). Collection method: clinical testing. Allele origin: germline. Affected: yes.
Comment: This variant is considered likely benign or benign based on one or more of the following criteria: it is a conservative change, it occurs at a poorly conserved position in the protein, it is predicted to be benign by multiple in silico algorithms, and/or has population frequency not consistent with disease.

NM_001267550.2(TTN):c.53300C>T (p.Pro17767Leu)

Genes: TTN (titin; minus strand), TTN-AS1 (TTN antisense RNA 1; plus strand), LOC126806425 (BRD4-independent group 4 enhancer GRCh37_chr2:179471933-179473132; plus strand). Cytogenetic location: 2q31.2.
Variant type: single nucleotide variant.
Coding change: c.53300C>T on transcript NM_001267550.2 (MANE Select); coding-DNA position 53300, C replaced by T.
Protein change: p.Pro17767Leu; replaces proline 17767 with leucine.
Molecular consequence: missense variant.
Genome position (GRCh38, 1-based): chr2:178,607,302, G>A on the plus strand (C>T on the coding strand, the complement: TTN is on the minus strand). VCF-style: chr2-178607302-G-A. GRCh37 (hg19) VCF-style: chr2-179472029-G-A.
Other names: c.48377C>T, p.Pro16126Leu (NM_001256850.1); c.26105C>T, p.Pro8702Leu (NM_003319.4); c.45596C>T, p.Pro15199Leu (NM_133378.4); c.26480C>T, p.Pro8827Leu (NM_133432.3); c.26681C>T, p.Pro8894Leu (NM_133437.4); short protein forms P15199L, P8702L, P16126L, P8894L, P17767L, P8827L.
Identifiers: ClinVar variation 682156 (VCV000682156.1), dbSNP rs1465233091, ClinGen allele CA349565273.